The following is an entry in ClinVar:

NM_000388.4(CASR):c.2014_2025del (p.Pro672_Trp675del)

Gene: CASR (calcium sensing receptor; plus strand). Cytogenetic location: 3q21.1.
Variant type: Deletion.
Coding change: c.2014_2025del on transcript NM_000388.4 (MANE Select); coding-DNA positions 2014 to 2025, 12 bases deleted (CCCCAGGACTGG).
Protein change: p.Pro672_Trp675del.
Molecular consequence: inframe deletion.
Genome position (GRCh38, 1-based): chr3:122,283,968-122,283,979, CCCCAGGACTGG deleted; deleting any 12 consecutive bases within chr3:122,283,967-122,283,979 gives the same sequence; the c. name uses the placement nearest the transcript's 3' end. VCF-style (leftmost placement, unchanged base first): chr3-122283966-AGCCCCAGGACTG-A. GRCh37 (hg19) VCF-style: chr3-122002813-AGCCCCAGGACTG-A.
Other names: c.2044_2055del, p.Pro682_Trp685del (NM_001178065.2).
Identifiers: ClinVar variation 1331379 (VCV001331379.1), dbSNP rs2107649784, ClinGen allele CA2573052061.
Genomic context (GRCh38, chr3:122,283,966, plus strand): 5'-CCTACCTCCTCCTCTTCTCCCTGCTCTGCTGCTTCTCCAGCTCCCTGTTCTTCATCGGGG[AGCCCCAGGACTG>A]GACGTGCCGCCTGCGCCAGCCGGCCTTTGGCATCAGCTTCGTGCTCTGCATCTCATGCAT-3'

ClinVar aggregate classification (germline): Uncertain significance (1 of 4 stars; one submission).

Submission:

Women's Health and Genetics/Laboratory Corporation of America, LabCorp
Classification: Uncertain significance. Last evaluated: 2021-12-10. Review status: criteria provided, single submitter. Criteria: LabCorp Variant Classification Summary - May 2015. Collection method: clinical testing. Allele origin: germline.
Comment: Variant summary: CASR c.2014_2025del12 (p.Pro672_Trp675del) results in an in-frame deletion that is predicted to remove 4 amino acids from the encoded protein. The variant was absent in 251084 control chromosomes (gnomAD). The available data on variant occurrences in the general population are insufficient to allow any conclusion about variant significance. To our knowledge, no occurrence of c.2014_2025del12 in individuals affected with Familial Hypocalciuric Hypercalcemia and no experimental evidence demonstrating its impact on protein function have been reported. No clinical diagnostic laboratories have submitted clinical-significance assessments for this variant to ClinVar after 2014. Based on the evidence outlined above, the variant was classified as uncertain significance.